The following is an entry in ClinVar:

NM_019098.5(CNGB3):c.1821T>A (p.Asn607Lys)

Gene: CNGB3 (cyclic nucleotide gated channel subunit beta 3; minus strand). Cytogenetic location: 8q21.3.
Variant type: single nucleotide variant.
Coding change: c.1821T>A on transcript NM_019098.5 (MANE Select); coding-DNA position 1821, T replaced by A.
Protein change: p.Asn607Lys; replaces asparagine 607 with lysine.
Molecular consequence: missense variant.
Genome position (GRCh38, 1-based): chr8:86,579,213, A>T on the plus strand (T>A on the coding strand, the complement: CNGB3 is on the minus strand). VCF-style: chr8-86579213-A-T. GRCh37 (hg19) VCF-style: chr8-87591441-A-T.
Other names: short protein forms N607K.
Identifiers: ClinVar variation 2013529 (VCV002013529.2), dbSNP rs932823194, ClinGen allele CA180333689.
Genomic context (GRCh38, chr8:86,579,213, plus strand): 5'-AATTTCTTGGAGGGTCTTTTTGTCTAGAGTTAAAAGATTGGCAAACCCGTGGGCCACCAC[A>T]TTGGCAGTTCGACGGTTTCCTCCTCCTGCTGCTAGAAGGCTGTAAGAGAGAAAAATGAGT-3'
Protein context (NP_061971.3, residues 597-617): AAGGGNRRTA[Asn607Lys]VVAHGFANLL

ClinVar aggregate classification (germline): Uncertain significance. Review status: criteria provided, multiple submitters, no conflicts (2 of 4 stars). 2 submissions from 2 submitters: Uncertain significance (2). Last evaluated 2022-09-08.

Allele frequency attached by ClinVar (database versions not stated): gnomAD 0.00001; TOPMed 0.00001.
gnomAD v4.1: 6 of 1,614,096 alleles (0.00037%); highest among the groups gnomAD compares: Non-Finnish European, 0.00051%; no homozygotes.

Submissions (2):

Blueprint Genetics
Classification: Uncertain significance. Last evaluated: 2022-09-08. Review status: criteria provided, single submitter. Criteria: ACMG Guidelines, 2015. Collection method: clinical testing. Allele origin: germline.

Labcorp Genetics (formerly Invitae), Labcorp
Classification: Uncertain significance. Last evaluated: 2022-09-06. Review status: criteria provided, single submitter. Criteria: Invitae Variant Classification Sherloc (09022015). Collection method: clinical testing. Allele origin: germline.
Comment: This sequence change replaces asparagine, which is neutral and polar, with lysine, which is basic and polar, at codon 607 of the CNGB3 protein (p.Asn607Lys). This variant is present in population databases (no rsID available, gnomAD 0.0009%). This variant has not been reported in the literature in individuals affected with CNGB3-related conditions. Algorithms developed to predict the effect of missense changes on protein structure and function (SIFT, PolyPhen-2, Align-GVGD) all suggest that this variant is likely to be disruptive. In summary, the available evidence is currently insufficient to determine the role of this variant in disease. Therefore, it has been classified as a Variant of Uncertain Significance.